The following is an entry in ClinVar:

ClinVar aggregate classification (germline): Uncertain significance. Review status: criteria provided, multiple submitters, no conflicts (2 of 4 stars). 2 submissions from 2 submitters: Uncertain significance (2). Last evaluated 2024-09-17.

Conditions:
KDM3B-related disorder. Also called: KDM3B-related condition.

Submissions (2):

GeneDx
Classification: Uncertain significance. Last evaluated: 2024-09-17. Review status: criteria provided, single submitter. Criteria: GeneDx Variant Classification Process June 2021. Collection method: clinical testing. Allele origin: germline. Affected: yes.
Comment: Not observed at significant frequency in large population cohorts (gnomAD); In silico analysis indicates that this missense variant does not alter protein structure/function; Has not been previously published as pathogenic or benign to our knowledge

PreventionGenetics, part of Exact Sciences
Classification: Uncertain significance for KDM3B-related condition. Last evaluated: 2023-03-28. Review status: criteria provided, single submitter. Criteria: ACMG Guidelines, 2015. Collection method: clinical testing. Allele origin: germline.
Comment: The KDM3B c.847G>C variant is predicted to result in the amino acid substitution p.Asp283His. To our knowledge, this variant has not been reported in the literature or in a large population database, indicating this variant is rare. At this time, the clinical significance of this variant is uncertain due to the absence of conclusive functional and genetic evidence.

NM_016604.4(KDM3B):c.847G>C (p.Asp283His)

Gene: KDM3B (lysine demethylase 3B; plus strand). Cytogenetic location: 5q31.2.
Variant type: single nucleotide variant.
Coding change: c.847G>C on transcript NM_016604.4 (MANE Select); coding-DNA position 847, G replaced by C.
Protein change: p.Asp283His; replaces aspartic acid 283 with histidine.
Molecular consequence: missense variant.
Genome position (GRCh38, 1-based): chr5:138,386,088, G>C. VCF-style: chr5-138386088-G-C. GRCh37 (hg19) VCF-style: chr5-137721777-G-C.
Other names: short protein forms D283H.
Identifiers: ClinVar variation 2633375 (VCV002633375.2), dbSNP rs1762253291, ClinGen allele CA361099934.